The following is an entry in ClinVar:

ClinVar aggregate classification (germline): Conflicting classifications of pathogenicity. Review status: criteria provided, conflicting classifications (1 of 4 stars). 3 submissions from 3 submitters: Uncertain significance (2); Likely benign (1). Last evaluated 2024-05-06.

Conditions:
Hereditary nonpolyposis colorectal neoplasms. Identifiers: MedGen C0009405, MeSH D003123.
Hereditary cancer-predisposing syndrome. Also called: Neoplastic Syndromes, Hereditary; Tumor predisposition; Hereditary Cancer Syndrome; Hereditary neoplastic syndrome. Identifiers: Orphanet 140162, MedGen C0027672, MeSH D009386, MONDO:0015356.

Submissions (3):

Ambry Genetics
Classification: Likely benign for Hereditary cancer-predisposing syndrome. Last evaluated: 2024-05-06. Review status: criteria provided, single submitter. Criteria: Ambry Variant Classification Scheme 2023. Collection method: clinical testing. Allele origin: germline.

Color Diagnostics, LLC DBA Color Health
Classification: Uncertain significance for Hereditary cancer-predisposing syndrome. Last evaluated: 2023-12-05. Review status: criteria provided, single submitter. Criteria: ACMG Guidelines, 2015. Collection method: clinical testing. Allele origin: germline.
Comment: This missense variant replaces alanine with aspartic acid at codon 626 of the PMS2 protein. Computational prediction suggests that this variant may not impact protein structure and function (internally defined REVEL score threshold <= 0.5, PMID: 27666373). To our knowledge, functional studies have not been reported for this variant. This variant has not been reported in individuals affected with PMS2-related disorders in the literature. This variant has not been identified in the general population by the Genome Aggregation Database (gnomAD). The available evidence is insufficient to determine the role of this variant in disease conclusively. Therefore, this variant is classified as a Variant of Uncertain Significance.

Labcorp Genetics (formerly Invitae), Labcorp
Classification: Uncertain significance for Hereditary nonpolyposis colorectal neoplasms. Last evaluated: 2023-10-03. Review status: criteria provided, single submitter. Criteria: Invitae Variant Classification Sherloc (09022015). Collection method: clinical testing. Allele origin: germline.
Comment: This sequence change replaces alanine, which is neutral and non-polar, with aspartic acid, which is acidic and polar, at codon 626 of the PMS2 protein (p.Ala626Asp). This variant is not present in population databases (gnomAD no frequency). This variant has not been reported in the literature in individuals affected with PMS2-related conditions. ClinVar contains an entry for this variant (Variation ID: 186658). Advanced modeling of protein sequence and biophysical properties (such as structural, functional, and spatial information, amino acid conservation, physicochemical variation, residue mobility, and thermodynamic stability) has been performed at Invitae for this missense variant, however the output from this modeling did not meet the statistical confidence thresholds required to predict the impact of this variant on PMS2 protein function. In summary, the available evidence is currently insufficient to determine the role of this variant in disease. Therefore, it has been classified as a Variant of Uncertain Significance.

NM_000535.7(PMS2):c.1877C>A (p.Ala626Asp)

Gene: PMS2 (PMS1 homolog 2, mismatch repair system component; minus strand). Cytogenetic location: 7p22.1.
Variant type: single nucleotide variant.
Coding change: c.1877C>A on transcript NM_000535.7 (MANE Select); coding-DNA position 1877, C replaced by A.
Protein change: p.Ala626Asp; replaces alanine 626 with aspartic acid.
Molecular consequence: missense variant. On other transcripts: non-coding transcript variant (1).
Genome position (GRCh38, 1-based): chr7:5,986,888, G>T on the plus strand (C>A on the coding strand, the complement: PMS2 is on the minus strand). VCF-style: chr7-5986888-G-T. GRCh37 (hg19) VCF-style: chr7-6026519-G-T.
Other names: c.1472C>A, p.Ala491Asp (NM_001322003.2, NM_001322004.2, NM_001322005.2 and 1 more transcripts); c.1721C>A, p.Ala574Asp (NM_001322006.2); c.1559C>A, p.Ala520Asp (NM_001322007.2, NM_001322008.2); c.1316C>A, p.Ala439Asp (NM_001322010.2); c.944C>A, p.Ala315Asp (NM_001322011.2, NM_001322012.2); c.1304C>A, p.Ala435Asp (NM_001322013.2); c.1877C>A, p.Ala626Asp (NM_001322014.2); c.1568C>A, p.Ala523Asp (NM_001322015.2); short protein forms A626D, A439D, A520D, A523D, A435D, A315D, A491D, A574D.
Identifiers: ClinVar variation 186658 (VCV000186658.21), dbSNP rs786203121, ClinGen allele CA010390.